The following is an entry in ClinVar:

ClinVar aggregate classification (germline): Uncertain significance (1 of 4 stars; one submission).

Submission:

GeneDx
Classification: Uncertain significance. Last evaluated: 2019-08-27. Review status: criteria provided, single submitter. Criteria: GeneDx Variant Classification Process June 2021. Collection method: clinical testing. Allele origin: germline. Affected: yes.
Comment: Not observed in large population cohorts (Lek et al., 2016); In silico analysis, which includes protein predictors and evolutionary conservation, supports that this variant does not alter protein structure/function; In silico analysis, which includes splice predictors and evolutionary conservation, suggests this variant may impact gene splicing. In the absence of RNA/functional studies, the actual effect of this sequence change is unknown; Has not been previously published as pathogenic or benign to our knowledge

NM_000117.3(EMD):c.266G>A (p.Gly89Asp)

Gene: EMD (emerin; plus strand). Cytogenetic location: Xq28.
Variant type: single nucleotide variant.
Coding change: c.266G>A on transcript NM_000117.3 (MANE Select); coding-DNA position 266, G replaced by A.
Protein change: p.Gly89Asp; replaces glycine 89 with aspartic acid.
Molecular consequence: missense variant.
Genome position (GRCh38, 1-based): chrX:154,380,234, G>A. VCF-style: chrX-154380234-G-A. GRCh37 (hg19) VCF-style: chrX-153608594-G-A.
Other names: short protein forms G89D.
Identifiers: ClinVar variation 1308139 (VCV001308139.2), dbSNP rs2148128462, ClinGen allele CA415257783.